The following is an entry in ClinVar:

NM_012120.3(CD2AP):c.297A>G (p.Pro99=)

Gene: CD2AP (CD2 associated protein; plus strand). Cytogenetic location: 6p12.3.
Variant type: single nucleotide variant.
Coding change: c.297A>G on transcript NM_012120.3 (MANE Select); coding-DNA position 297, A replaced by G.
Protein change: p.Pro99=; no amino-acid change (proline 99 retained).
Molecular consequence: synonymous variant.
Genome position (GRCh38, 1-based): chr6:47,533,733, A>G. VCF-style: chr6-47533733-A-G. GRCh37 (hg19) VCF-style: chr6-47501469-A-G.
Identifiers: ClinVar variation 1712388 (VCV001712388.5), dbSNP rs539471431, ClinGen allele CA3843940.

ClinVar aggregate classification (germline): Benign/Likely benign. Review status: criteria provided, multiple submitters, no conflicts (2 of 4 stars). 3 submissions from 3 submitters: Benign (1); Likely benign (1). 1 of the submissions does not count toward it. Last evaluated 2025-07-30.

Conditions:
CD2AP-related disorder. Also called: CD2AP-related condition.
Focal segmental glomerulosclerosis (FSGS). Also called: Glomerulosclerosis, focal; Focal sclerosis with hyalinosis. Identifiers: MedGen C0017668, MONDO:0100313, HP:0000097. Disease mechanism: loss of function.

Allele frequency attached by ClinVar (database versions not stated): TOPMed below 0.00001; gnomAD 0.00007; ExAC 0.00032; 1000 Genomes Project 30x 0.00047; gnomAD exomes 0.00013; 1000 Genomes Project 0.00060.
gnomAD v4.1: 205 of 1,614,132 alleles (0.013%); highest among the groups gnomAD compares: South Asian, 0.22%; no homozygotes.

Submissions (3):

Labcorp Genetics (formerly Invitae), Labcorp
Classification: Benign. Last evaluated: 2025-07-30. Review status: criteria provided, single submitter. Criteria: Invitae Variant Classification Sherloc (09022015). Collection method: clinical testing. Allele origin: germline.

Genome Diagnostics Laboratory, The Hospital for Sick Children
Classification: Likely benign for Focal segmental glomerulosclerosis. Last evaluated: 2021-05-26. Review status: criteria provided, single submitter. Criteria: ACMG Guidelines, 2015. Collection method: clinical testing. Allele origin: germline.

PreventionGenetics, part of Exact Sciences
Classification: Likely benign for CD2AP-related condition. Last evaluated: 2020-02-10. Review status: no assertion criteria provided. Collection method: clinical testing. Allele origin: germline. Not counted in ClinVar's aggregate classification.
Comment: This variant is classified as likely benign based on ACMG/AMP sequence variant interpretation guidelines (Richards et al. 2015 PMID: 25741868, with internal and published modifications).